The following is an entry in ClinVar:

ClinVar aggregate classification (germline): Conflicting classifications of pathogenicity. Review status: criteria provided, conflicting classifications (1 of 4 stars). 3 submissions from 3 submitters: Uncertain significance (2); Benign (1). Last evaluated 2025-05-30.

Conditions:
Chuvash polycythemia. Also called: POLYCYTHEMIA, VHL-DEPENDENT. Identifiers: Orphanet 238557, MedGen C1837915, MONDO:0009892, OMIM 263400.
Von Hippel-Lindau syndrome (VHLS). Also called: Von Hippel-Lindau; von Hippel–Lindau syndrome; VHL syndrome. Identifiers: Orphanet 892, MedGen C0019562, MONDO:0008667, OMIM 193300. Disease mechanism: loss of function.
Hereditary cancer-predisposing syndrome. Also called: Hereditary neoplastic syndrome; Tumor predisposition; Neoplastic Syndromes, Hereditary; Hereditary Cancer Syndrome. Identifiers: Orphanet 140162, MedGen C0027672, MeSH D009386, MONDO:0015356.
Nonpapillary renal cell carcinoma. Identifiers: Orphanet 422526, MedGen CN074294, MONDO:0007763, OMIM 144700.
Pheochromocytoma. Also called: MAX-Related Hereditary Paraganglioma-Pheochromocytoma Syndrome. Identifiers: Orphanet 29072, MedGen C0031511, MONDO:0008233, OMIM 171300, HP:0002666.

gnomAD v4.1: 3 of 1,562,624 alleles (0.00019%); highest among the groups gnomAD compares: Admixed American, 0.0019%; no homozygotes.

Submissions (3):

Ambry Genetics
Classification: Benign for Hereditary cancer-predisposing syndrome. Last evaluated: 2025-05-30. Review status: criteria provided, single submitter. Criteria: Ambry Variant Classification Scheme 2023. Collection method: clinical testing. Allele origin: germline.

Labcorp Genetics (formerly Invitae), Labcorp
Classification: Uncertain significance for Von Hippel-Lindau syndrome; Chuvash polycythemia. Last evaluated: 2023-09-10. Review status: criteria provided, single submitter. Criteria: Invitae Variant Classification Sherloc (09022015). Collection method: clinical testing. Allele origin: germline.
Comment: In summary, the available evidence is currently insufficient to determine the role of this variant in disease. Therefore, it has been classified as a Variant of Uncertain Significance. Advanced modeling of protein sequence and biophysical properties (such as structural, functional, and spatial information, amino acid conservation, physicochemical variation, residue mobility, and thermodynamic stability) performed at Invitae indicates that this missense variant is not expected to disrupt VHL protein function. ClinVar contains an entry for this variant (Variation ID: 959877). This variant has not been reported in the literature in individuals affected with VHL-related conditions. This variant is not present in population databases (gnomAD no frequency). This sequence change replaces glycine, which is neutral and non-polar, with arginine, which is basic and polar, at codon 44 of the VHL protein (p.Gly44Arg).

Fulgent Genetics
Classification: Uncertain significance for Nonpapillary renal cell carcinoma; Pheochromocytoma; Von Hippel-Lindau syndrome; Chuvash polycythemia. Last evaluated: 2022-04-21. Review status: criteria provided, single submitter. Criteria: ACMG Guidelines, 2015. Collection method: clinical testing. Allele origin: unknown.

Literature cited by the submitters: PubMed 38969834 (cited by Ambry Genetics).

NM_000551.4(VHL):c.130G>C (p.Gly44Arg)

Gene: VHL (von Hippel-Lindau tumor suppressor; plus strand). Cytogenetic location: 3p25.3.
Variant type: single nucleotide variant.
Coding change: c.130G>C on transcript NM_000551.4 (MANE Select); coding-DNA position 130, G replaced by C.
Protein change: p.Gly44Arg; replaces glycine 44 with arginine.
Molecular consequence: missense variant.
Genome position (GRCh38, 1-based): chr3:10,141,977, G>C. VCF-style: chr3-10141977-G-C. GRCh37 (hg19) VCF-style: chr3-10183661-G-C.
Other names: c.130G>C, p.Gly44Arg (NM_001354723.2, NM_198156.3); short protein forms G44R.
Identifiers: ClinVar variation 959877 (VCV000959877.12), dbSNP rs1575921446, ClinGen allele CA351748058.